The following is an entry in ClinVar:

NM_001165963.4(SCN1A):c.1853_1854del (p.Arg618fs)

Gene: SCN1A (sodium voltage-gated channel alpha subunit 1; minus strand). Cytogenetic location: 2q24.3.
Variant type: Deletion.
Coding change: c.1853_1854del on transcript NM_001165963.4 (MANE Select); coding-DNA positions 1853 to 1854, 2 bases deleted (GC; older notation c.1853_1854delGC).
Protein change: p.Arg618fs; shifts the reading frame from arginine 618.
Molecular consequence: frameshift variant. On other transcripts: 5 prime UTR variant (1), non-coding transcript variant (1).
Genome position (GRCh38, 1-based): chr2:166,043,858-166,043,859, GC deleted on the plus strand (GC on the coding strand, the reverse complement: SCN1A is on the minus strand); deleting any 2 consecutive bases within chr2:166,043,858-166,043,860 gives the same sequence; the c. name uses the placement nearest the transcript's 3' end. VCF-style (leftmost placement, unchanged base first): chr2-166043857-TGC-T. GRCh37 (hg19) VCF-style: chr2-166900367-TGC-T.
Other names: c.1853_1854del, p.Arg618fs (NM_001165964.3, NM_001202435.3, NM_001353948.2 and 7 more transcripts); c.1850_1851del, p.Arg617fs (NM_001353954.2, NM_001353955.2, NM_001353960.2); c.-573_-572del (NM_001353961.2); short protein forms R618fs, R617fs.
Identifiers: ClinVar variation 280436 (VCV000280436.2), dbSNP rs886041644, ClinGen allele CA10602814.
Genomic context (GRCh38, chr2:166,043,857, plus strand): 5'-CATTCGCTGGAAACACTGCCAGCATCCGGGATGACCTACTGGTCTGACTCAGGTTGCTGT[TGC>T]GTCTCTCTCCGTGTCGTCGGGGCACAAACAAGGAATCTCTACGGCTCTCGTTATCCTCAA-3'

ClinVar aggregate classification (germline): Pathogenic (1 of 4 stars; one submission).

Submission:

GeneDx
Classification: Pathogenic. Last evaluated: 2017-06-09. Review status: criteria provided, single submitter. Criteria: GeneDx Variant Classification (06012015). Collection method: clinical testing. Allele origin: germline. Affected: yes.
Comment: The c.1853_1854delGC pathogenic variant in the SCN1A gene causes a frameshift starting with codon Arginine 618, changes this amino acid to a Glutamine residue and creates a premature Stop codon at position 9 of the new reading frame, denoted p.R618QfsX9. This pathogenic variant is predicted to cause loss of normal protein function either through protein truncation or nonsense-mediated mRNA decay. It was not observed in approximately 6,500 individuals of European and African American ancestry in the NHLBI Exome Sequencing Project, indicating it is not a common benign variant in these populations.